The following is an entry in ClinVar:

ClinVar aggregate classification (germline): Uncertain significance (0 of 4 stars; one submission).

Conditions:
ARX-related disorder. Also called: ARX-related condition; ARX-Related Disorders. Identifiers: MedGen CN378769.

Submission:

PreventionGenetics, part of Exact Sciences
Classification: Uncertain significance for ARX-related condition. Last evaluated: 2023-12-01. Review status: no assertion criteria provided. Collection method: clinical testing. Allele origin: germline.
Comment: The ARX c.80A>G variant is predicted to result in the amino acid substitution p.Tyr27Cys. To our knowledge, this variant has not been reported in the literature or in a large population database, indicating this variant is rare. At this time, the clinical significance of this variant is uncertain due to the absence of conclusive functional and genetic evidence.

NM_139058.3(ARX):c.80A>G (p.Tyr27Cys)

Gene: ARX (aristaless related homeobox; minus strand). Cytogenetic location: Xp21.3.
Variant type: single nucleotide variant.
Coding change: c.80A>G on transcript NM_139058.3 (MANE Select); coding-DNA position 80, A replaced by G.
Protein change: p.Tyr27Cys; replaces tyrosine 27 with cysteine.
Molecular consequence: missense variant.
Genome position (GRCh38, 1-based): chrX:25,015,658, T>C on the plus strand (A>G on the coding strand, the complement: ARX is on the minus strand). VCF-style: chrX-25015658-T-C. GRCh37 (hg19) VCF-style: chrX-25033775-T-C.
Other names: short protein forms Y27C.
Identifiers: ClinVar variation 3031622 (VCV003031622.2), dbSNP rs2048724116, ClinGen allele CA412613940.